The following is an entry in ClinVar:

NM_000540.3(RYR1):c.4083_4084delinsAT (p.Gln1362Ter)

Gene: RYR1 (ryanodine receptor 1; plus strand). Cytogenetic location: 19q13.2.
Variant type: Indel.
Coding change: c.4083_4084delinsAT on transcript NM_000540.3 (MANE Select); coding-DNA positions 4083 to 4084, GC replaced by AT.
Protein change: p.Gln1362Ter; replaces glutamine 1362 with a stop codon.
Molecular consequence: nonsense.
Genome position (GRCh38, 1-based): chr19:38,473,694-38,473,695, GC replaced by AT. VCF-style: chr19-38473694-GC-AT. GRCh37 (hg19) VCF-style: chr19-38964334-GC-AT.
Other names: c.4083_4084delinsAT, p.Gln1362Ter (NM_001042723.2); short protein forms Q1362*.
Identifiers: ClinVar variation 1459840 (VCV001459840.6), dbSNP rs2145484822, ClinGen allele CA2573156295.
Genomic context (GRCh38, chr19:38,473,694, plus strand): 5'-GAGCGAGGCAGAGAACGGCAAAGAAGGGACTGCGAAGGAGGGCGCCCCCGGGGGCACCCC[GC>AT]AGGCGGGGGGAGAGGCGCAGCCCGCCAGGGCGGAGAATGAGAAGGATGCCACCACCGAGA-3'

ClinVar aggregate classification (germline): Pathogenic (1 of 4 stars; one submission).

Conditions:
RYR1-related disorder. Also called: RYR1-related condition; RYR1-related disorders. Identifiers: MedGen CN239331.

Submission:

Labcorp Genetics (formerly Invitae), Labcorp
Classification: Pathogenic for RYR1-related disorder. Last evaluated: 2022-06-20. Review status: criteria provided, single submitter. Criteria: Invitae Variant Classification Sherloc (09022015). Collection method: clinical testing. Allele origin: germline.
Comment: This sequence change creates a premature translational stop signal (p.Gln1362*) in the RYR1 gene. It is expected to result in an absent or disrupted protein product. Loss-of-function variants in RYR1 are known to be pathogenic (PMID: 20583297, 20839240, 23919265, 28818389). For these reasons, this variant has been classified as Pathogenic. This variant has not been reported in the literature in individuals affected with RYR1-related conditions. Information on the frequency of this variant in the gnomAD database is not available, as this variant may be reported differently in the database.

Literature cited by the submitters: PubMed 20583297; PubMed 20839240; PubMed 23919265; PubMed 28818389.